The following is an entry in ClinVar:

NM_017849.4(TMEM127):c.99G>T (p.Ser33=)

Genes: TMEM127 (transmembrane protein 127; minus strand), LOC129934333 (ATAC-STARR-seq lymphoblastoid silent region 11759; plus strand). Cytogenetic location: 2q11.2.
Variant type: single nucleotide variant.
Coding change: c.99G>T on transcript NM_017849.4 (MANE Select); coding-DNA position 99, G replaced by T.
Protein change: p.Ser33=; no amino-acid change (serine 33 retained).
Molecular consequence: synonymous variant.
Genome position (GRCh38, 1-based): chr2:96,265,283, C>A on the plus strand (G>T on the coding strand, the complement: TMEM127 is on the minus strand). VCF-style: chr2-96265283-C-A. GRCh37 (hg19) VCF-style: chr2-96931021-C-A.
Other names: c.99G>T, p.Ser33= (NM_001193304.3).
Identifiers: ClinVar variation 1093547 (VCV001093547.12), dbSNP rs746237736, ClinGen allele CA1777399.

ClinVar aggregate classification (germline): Benign/Likely benign. Review status: criteria provided, multiple submitters, no conflicts (2 of 4 stars). 3 submissions from 3 submitters: Benign (1); Likely benign (2). Last evaluated 2026-07-29.

Conditions:
Hereditary cancer-predisposing syndrome. Also called: Hereditary Cancer Syndrome; Hereditary neoplastic syndrome; Neoplastic Syndromes, Hereditary; Tumor predisposition. Identifiers: Orphanet 140162, MedGen C0027672, MeSH D009386, MONDO:0015356.
Hereditary pheochromocytoma and paraganglioma. Also called: Hereditary paragangliomas and pheochromocytomas; Hereditary Paraganglioma-Pheochromocytoma Syndromes; Hereditary pheochromocytoma-paraganglioma. Identifiers: Orphanet 29072, MedGen C4274332, MONDO:0017366.

Allele frequency attached by ClinVar (database versions not stated): gnomAD 0.00001; TOPMed below 0.00001.

Submissions (3):

Myriad Genetics, Inc.
Classification: Benign for Hereditary pheochromocytoma and paraganglioma. Last evaluated: 2026-07-29. Review status: criteria provided, single submitter. Criteria: Myriad Autosomal Dominant, Autosomal Recessive and X-Linked Classification Criteria (2023). Collection method: clinical testing. Allele origin: unknown.
Comment: This variant is considered benign. This variant is a silent/synonymous amino acid change and it is not expected to impact splicing.

Labcorp Genetics (formerly Invitae), Labcorp
Classification: Likely benign for Hereditary pheochromocytoma and paraganglioma. Last evaluated: 2025-12-03. Review status: criteria provided, single submitter. Criteria: Invitae Variant Classification Sherloc (09022015). Collection method: clinical testing. Allele origin: germline.

Ambry Genetics
Classification: Likely benign for Hereditary cancer-predisposing syndrome. Last evaluated: 2022-06-12. Review status: criteria provided, single submitter. Criteria: Ambry Variant Classification Scheme 2023. Collection method: clinical testing. Allele origin: germline.